The following is an entry in ClinVar:

NM_004727.3(SLC24A1):c.28C>T (p.Gln10Ter)

Gene: SLC24A1 (solute carrier family 24 member 1; plus strand). Cytogenetic location: 15q22.31.
Variant type: single nucleotide variant.
Coding change: c.28C>T on transcript NM_004727.3 (MANE Select); coding-DNA position 28, C replaced by T.
Protein change: p.Gln10Ter; replaces glutamine 10 with a stop codon.
Molecular consequence: nonsense.
Genome position (GRCh38, 1-based): chr15:65,624,108, C>T. VCF-style: chr15-65624108-C-T. GRCh37 (hg19) VCF-style: chr15-65916446-C-T.
Other names: c.28C>T, p.Gln10Ter (NM_001301031.1, NM_001301032.1, NM_001301033.2 and 1 more transcripts); short protein forms Q10*.
Identifiers: ClinVar variation 4717789 (VCV004717789.1).

ClinVar aggregate classification (germline): Pathogenic (1 of 4 stars; one submission).

Submission:

Labcorp Genetics (formerly Invitae), Labcorp
Classification: Pathogenic. Last evaluated: 2025-04-23. Review status: criteria provided, single submitter. Criteria: Invitae Variant Classification Sherloc (09022015). Collection method: clinical testing. Allele origin: germline.
Comment: This sequence change creates a premature translational stop signal (p.Gln10*) in the SLC24A1 gene. It is expected to result in an absent or disrupted protein product. Loss-of-function variants in SLC24A1 are known to be pathogenic (PMID: 20850105, 26822852). This variant is not present in population databases (gnomAD no frequency). This variant has not been reported in the literature in individuals affected with SLC24A1-related conditions. For these reasons, this variant has been classified as Pathogenic.

Literature cited by the submitters: PubMed 20850105; PubMed 26822852.